The following is an entry in ClinVar:

NM_006929.5(SKIC2):c.3187C>T (p.Arg1063Ter)

Gene: SKIC2 (SKI2 subunit of superkiller complex; plus strand). Cytogenetic location: 6p21.33.
Variant type: single nucleotide variant.
Coding change: c.3187C>T on transcript NM_006929.5 (MANE Select); coding-DNA position 3187, C replaced by T.
Protein change: p.Arg1063Ter; replaces arginine 1063 with a stop codon.
Molecular consequence: nonsense.
Genome position (GRCh38, 1-based): chr6:31,968,877, C>T. VCF-style: chr6-31968877-C-T. GRCh37 (hg19) VCF-style: chr6-31936654-C-T.
Other names: short protein forms R1063*.
Identifiers: ClinVar variation 1323596 (VCV001323596.23), dbSNP rs138923214, ClinGen allele CA3730001.

ClinVar aggregate classification (germline): Pathogenic. Review status: criteria provided, multiple submitters, no conflicts (2 of 4 stars). 9 submissions from 9 submitters: Pathogenic (8). 1 of the submissions does not count toward it. Last evaluated 2026-01-19.

Conditions:
Trichohepatoenteric syndrome. Also called: THE SYNDROME; Syndromic diarrhea; Tricho-hepato-enteric syndrome. Identifiers: Orphanet 84064, MedGen C1857276, MONDO:0009105.
SKIC2-related disorder. Also called: SKIC2-related condition.
Trichohepatoenteric syndrome 2 (THES2). Identifiers: Orphanet 84064, MedGen C3281289, MONDO:0013818, OMIM 614602.

Allele frequency attached by ClinVar (database versions not stated): TOPMed 0.00012; ESP Exome Variant Server 0.00036; gnomAD 0.00014 and 0.00013; gnomAD exomes 0.00011; ExAC 0.00013.
gnomAD v4.1: 181 of 1,612,504 alleles (0.011%); highest among the groups gnomAD compares: Admixed American, 0.025%; no homozygotes.

Submissions (9):

Labcorp Genetics (formerly Invitae), Labcorp
Classification: Pathogenic. Last evaluated: 2026-01-19. Review status: criteria provided, single submitter. Criteria: Invitae Variant Classification Sherloc (09022015). Collection method: clinical testing. Allele origin: germline.
Comment: This sequence change creates a premature translational stop signal (p.Arg1063*) in the SKIV2L gene. It is expected to result in an absent or disrupted protein product. Loss-of-function variants in SKIV2L are known to be pathogenic (PMID: 22444670). This variant is present in population databases (rs138923214, gnomAD 0.02%). This premature translational stop signal has been observed in individuals with trichohepatoenteric syndrome (PMID: 27050310, 28496993). It has also been observed to segregate with disease in related individuals. ClinVar contains an entry for this variant (Variation ID: 1323596). For these reasons, this variant has been classified as Pathogenic.

Aleixo Muise Laboratory, Hospital For Sick Children
Classification: Pathogenic for Trichohepatoenteric syndrome 2. Last evaluated: 2024-07-05. Review status: criteria provided, single submitter. Criteria: ACMG Guidelines, 2015. Collection method: research. Allele origin: germline. Affected: yes. Observed: 2 variant alleles.
Comment: PVS1;PS1;PM2;PP3;PP4

GeneDx
Classification: Pathogenic. Last evaluated: 2023-08-01. Review status: criteria provided, single submitter. Criteria: GeneDx Variant Classification Process June 2021. Collection method: clinical testing. Allele origin: germline. Affected: yes.
Comment: Nonsense variant predicted to result in protein truncation or nonsense mediated decay in a gene for which loss of function is a known mechanism of disease; This variant is associated with the following publications: (PMID: 27050310, 31681265, 34691159, 31480283, 28496993, 37384835, 31345219, 35607352, 33864888, 29527791, 33249554)

Women's Health and Genetics/Laboratory Corporation of America, LabCorp
Classification: Pathogenic for Trichohepatoenteric syndrome. Last evaluated: 2023-02-17. Review status: criteria provided, single submitter. Criteria: LabCorp Variant Classification Summary - May 2015. Collection method: clinical testing. Allele origin: germline.
Comment: Variant summary: SKIV2L c.3187C>T (p.Arg1063X) results in a premature termination codon, predicted to cause a truncation of the encoded protein or absence of the protein due to nonsense mediated decay, which are commonly known mechanisms for disease. Truncations downstream of this position have been noted to be associated with Trichohepatoenteric syndrome in HGMD. The variant allele was found at a frequency of 0.00011 in 246028 control chromosomes. This frequency is not significantly higher than estimated for a pathogenic variant in SKIV2L causing Trichohepatoenteric Syndrome (0.00011 vs 0.00062), allowing no conclusion about variant significance. c.3187C>T has been reported in the literature in both compound heterozygous (e.g., Lee_2016, Bick_2017, Rudilla_2019) and homozygous (e.g., Diderich_2021) individuals affected with Trichohepatoenteric Syndrome. These data indicate that the variant is very likely to be associated with disease. At least one publication reports experimental evidence evaluating an impact on protein function, showing that a similar truncating variant in yeast leads to a severe growth defect (e.g., Orlando_2022). Four ClinVar submitters (evaluation after 2014) have cited the variant, and all laboratories classified the variant as pathogenic. Based on the evidence outlined above, the variant was classified as pathogenic.

Fulgent Genetics
Classification: Pathogenic for Trichohepatoenteric syndrome 2. Last evaluated: 2022-04-25. Review status: criteria provided, single submitter. Criteria: ACMG Guidelines, 2015. Collection method: clinical testing. Allele origin: unknown.

Dasa
Classification: Pathogenic for Trichohepatoenteric syndrome 2. Last evaluated: 2022-04-10. Review status: criteria provided, single submitter. Criteria: ACMG Guidelines, 2015. Collection method: clinical testing. Allele origin: germline. Affected: yes. Observed: 1 variant allele.
Comment: The c.3187C>T;p.(Arg1063*) variant creates a premature translational stop signal in the SKIV2L gene. It is expected to result in an absent or disrupted protein product -PVS1. This sequence change has been observed in affected individual(s) (PMID: 27050310; 28496993; 29527791; 31681265) - PS4. The variant is present at low allele frequencies population databases (rs138923214 – gnomAD 0.001380%; ABraOM no frequency) - PM2_supporting. The p.(Arg1063*) was detected in trans with a pathogenic variant (PMID: 27050310; 28496993; 31681265) - PM3_strong. In summary, the currently available evidence indicates that the variant is pathogenic.

Revvity Omics, Revvity
Classification: Pathogenic for Trichohepatoenteric syndrome 2. Last evaluated: 2021-11-22. Review status: criteria provided, single submitter. Criteria: ACMG Guidelines, 2015. Collection method: clinical testing. Allele origin: germline.

Juno Genomics, Hangzhou Juno Genomics, Inc
Classification: Pathogenic for Trichohepatoenteric syndrome 2. Review status: criteria provided, single submitter. Criteria: ACMG Guidelines, 2015. Collection method: clinical testing. Allele origin: germline. Affected: yes.
Comment: Absent from controls (or at extremely low frequency if recessive) in Genome Aggregation Database.;Null variant in a gene where loss of function (LOF) is a known mechanism of disease.;For recessive disorders, detected in trans with a pathogenic variant.;Patient's phenotype or family history is highly specific for a disease with a single genetic etiology.

PreventionGenetics, part of Exact Sciences
Classification: Pathogenic for SKIC2-related condition. Last evaluated: 2024-03-01. Review status: no assertion criteria provided. Collection method: clinical testing. Allele origin: germline. Not counted in ClinVar's aggregate classification.
Comment: The SKIC2 c.3187C>T variant is predicted to result in premature protein termination (p.Arg1063*). This variant, also referred to as SKIV2L c.3187C>T, has been reported in the compound heterozygous state in multiple unrelated individuals affected with trichohepatoenteric syndrome (Lee et al. 2016. PubMed ID: 27050310; Bick et al. 2017. PubMed ID: 28496993; Rudilla et al. 2019. PubMed ID: 31681265). This variant is reported in 0.025% of alleles in individuals of Latino descent in gnomAD. Nonsense variants in SKIC2 are expected to be pathogenic. This variant is interpreted as pathogenic.

Literature cited by the submitters: PubMed 22444670 (cited by Labcorp Genetics (formerly Invitae), Labcorp); PubMed 27050310 (cited by 3 submitters); PubMed 28496993 (cited by 3 submitters); PubMed 31681265 (cited by Women's Health and Genetics/Laboratory Corporation of America, LabCorp and Dasa); PubMed 33249554 (cited by Women's Health and Genetics/Laboratory Corporation of America, LabCorp); PubMed 35607352 (cited by Women's Health and Genetics/Laboratory Corporation of America, LabCorp); PubMed 29527791 (cited by Dasa).